The following is an entry in ClinVar:

NM_017671.5(FERMT1):c.211C>T (p.Leu71=)

Gene: FERMT1 (FERM domain containing kindlin 1; minus strand). Cytogenetic location: 20p12.3.
Variant type: single nucleotide variant.
Coding change: c.211C>T on transcript NM_017671.5 (MANE Select); coding-DNA position 211, C replaced by T.
Protein change: p.Leu71=; no amino-acid change (leucine 71 retained).
Molecular consequence: synonymous variant.
Genome position (GRCh38, 1-based): chr20:6,115,985, G>A on the plus strand (C>T on the coding strand, the complement: FERMT1 is on the minus strand). VCF-style: chr20-6115985-G-A. GRCh37 (hg19) VCF-style: chr20-6096632-G-A.
Other names: p.Leu71=.
Identifiers: ClinVar variation 339234 (VCV000339234.16), dbSNP rs1056141, ClinGen allele CA9758516.

ClinVar aggregate classification (germline): Benign. Review status: criteria provided, multiple submitters, no conflicts (2 of 4 stars). 5 submissions from 5 submitters: Benign (5). Last evaluated 2026-02-04.

Conditions:
Kindler syndrome (KNDLRS). Also called: BULLOUS ACROKERATOTIC POIKILODERMA OF KINDLER AND WEARY; POIKILODERMA, CONGENITAL, WITH BULLAE, WEARY TYPE; POIKILODERMA, HEREDITARY ACROKERATOTIC; Hereditary acrokeratotic poikiloderma of Weary; Poikiloderma of Kindler; Congenital bullous poikiloderma. Identifiers: Orphanet 2908, Orphanet 306539, MedGen C0406557, MONDO:0008260, OMIM 173650.

Allele frequency attached by ClinVar (database versions not stated): gnomAD exomes 0.08459 and 0.09329; ExAC 0.08481; 1000 Genomes Project 0.08826; 1000 Genomes Project 30x 0.09072; gnomAD 0.10063 and 0.10325; TOPMed 0.10107; ESP Exome Variant Server 0.10841.

Submissions (5):

Labcorp Genetics (formerly Invitae), Labcorp
Classification: Benign. Last evaluated: 2026-02-04. Review status: criteria provided, single submitter. Criteria: Invitae Variant Classification Sherloc (09022015). Collection method: clinical testing. Allele origin: germline.

Mayo Clinic Laboratories, Mayo Clinic
Classification: Benign. Last evaluated: 2022-09-06. Review status: criteria provided, single submitter. Criteria: ACMG Guidelines, 2015. Collection method: clinical testing. Allele origin: germline. Observed: 32 variant alleles.

GeneDx
Classification: Benign. Last evaluated: 2021-05-04. Review status: criteria provided, single submitter. Criteria: GeneDx Variant Classification Process June 2021. Collection method: clinical testing. Allele origin: germline. Affected: yes.

Illumina Laboratory Services, Illumina
Classification: Benign for Kindler syndrome. Last evaluated: 2018-01-12. Review status: criteria provided, single submitter. Criteria: ICSL Variant Classification Criteria 13 December 2019. Collection method: clinical testing. Allele origin: germline.
Comment: This variant was observed in the ICSL laboratory as part of a predisposition screen in an ostensibly healthy population. It had not been previously curated by ICSL or reported in the Human Gene Mutation Database (HGMD: prior to June 1st, 2018), and was therefore a candidate for classification through an automated scoring system. Utilizing variant allele frequency, disease prevalence and penetrance estimates, and inheritance mode, an automated score was calculated to assess if this variant is too frequent to cause the disease. Based on the score and internal cut-off values, a variant classified as benign is not then subjected to further curation. The score for this variant resulted in a classification of benign for this disease.

Breakthrough Genomics
Classification: Benign. Review status: criteria provided, single submitter. Criteria: ACMG Guidelines, 2015. Collection method: not provided. Allele origin: germline. Inheritance: Autosomal recessive inheritance. Affected: yes.